The following is an entry in ClinVar:

ClinVar aggregate classification (germline): Uncertain significance (1 of 4 stars; one submission).

Conditions:
Leigh syndrome (NULS). Also called: Leigh's syndrome; Subacute necrotizing encephalopathy; Necrotizing encephalopathy infantile subacute of Leigh; LEIGH SYNDROME, NUCLEAR; Leigh's necrotizing encephalopathy; Leigh's disease. Identifiers: Orphanet 506, MedGen C2931891, MONDO:0009723, OMIM 256000.

gnomAD v4.1: 1 of 1,613,920 alleles (0.000062%); no homozygotes.

Submission:

Labcorp Genetics (formerly Invitae), Labcorp
Classification: Uncertain significance for Leigh syndrome. Last evaluated: 2022-08-06. Review status: criteria provided, single submitter. Criteria: Invitae Variant Classification Sherloc (09022015). Collection method: clinical testing. Allele origin: germline.
Comment: This sequence change replaces phenylalanine, which is neutral and non-polar, with leucine, which is neutral and non-polar, at codon 293 of the SURF1 protein (p.Phe293Leu). This variant is not present in population databases (gnomAD no frequency). This variant has not been reported in the literature in individuals affected with SURF1-related conditions. Algorithms developed to predict the effect of missense changes on protein structure and function (SIFT, PolyPhen-2, Align-GVGD) all suggest that this variant is likely to be tolerated. In summary, the available evidence is currently insufficient to determine the role of this variant in disease. Therefore, it has been classified as a Variant of Uncertain Significance.

NM_003172.4(SURF1):c.879C>G (p.Phe293Leu)

Gene: SURF1 (SURF1 cytochrome c oxidase assembly factor; minus strand). Cytogenetic location: 9q34.2.
Variant type: single nucleotide variant.
Coding change: c.879C>G on transcript NM_003172.4 (MANE Select); coding-DNA position 879, C replaced by G.
Protein change: p.Phe293Leu; replaces phenylalanine 293 with leucine.
Molecular consequence: missense variant.
Genome position (GRCh38, 1-based): chr9:133,351,937, G>C on the plus strand (C>G on the coding strand, the complement: SURF1 is on the minus strand). VCF-style: chr9-133351937-G-C. GRCh37 (hg19) VCF-style: chr9-136218792-G-C.
Other names: c.552C>G, p.Phe184Leu (NM_001280787.1); short protein forms F184L, F293L.
Identifiers: ClinVar variation 2413842 (VCV002413842.6), dbSNP rs145088629, ClinGen allele CA375693323.